The following is an entry in ClinVar:

ClinVar aggregate classification (germline): Uncertain significance (1 of 4 stars; one submission).

Conditions:
PLXNA3-related disorder. Also called: PLXNA3-related condition.

Submission:

PreventionGenetics, part of Exact Sciences
Classification: Uncertain significance for PLXNA3-related condition. Last evaluated: 2025-11-26. Review status: criteria provided, single submitter. Criteria: ACMG Guidelines, 2015. Collection method: clinical testing. Allele origin: germline.
Comment: The PLXNA3 c.779_827del49 variant is predicted to result in a frameshift and premature protein termination (p.Ser260Trpfs*94). To our knowledge, this variant has not been reported in the literature or in a large population database (gnomAD), indicating this variant is rare. At this time, the clinical significance of this variant is uncertain due to the absence of conclusive functional and genetic evidence.

NM_017514.5(PLXNA3):c.779_827del (p.Ser260fs)

Gene: PLXNA3 (plexin A3; plus strand). Cytogenetic location: Xq28.
Variant type: Deletion.
Coding change: c.779_827del on transcript NM_017514.5 (MANE Select); coding-DNA positions 779 to 827, 49 bases deleted.
Protein change: p.Ser260fs; shifts the reading frame from serine 260.
Molecular consequence: frameshift variant.
Genome position (GRCh38, 1-based): chrX:154,461,283-154,461,331, 49 bases deleted; deleting any 49 consecutive bases within chrX:154,461,279-154,461,331 gives the same sequence; the c. name uses the placement nearest the transcript's 3' end. GRCh37 (hg19): chrX:153,689,623-153,689,671.
Other names: short protein forms S260fs.
Identifiers: ClinVar variation 4992764 (VCV004992764.1).